The following is an entry in ClinVar:

ClinVar aggregate classification (germline): Uncertain significance (1 of 4 stars; one submission).

Allele frequency attached by ClinVar (database versions not stated): TOPMed below 0.00001; gnomAD 0.00001.

Submission:

Labcorp Genetics (formerly Invitae), Labcorp
Classification: Uncertain significance. Last evaluated: 2023-12-19. Review status: criteria provided, single submitter. Criteria: Invitae Variant Classification Sherloc (09022015). Collection method: clinical testing. Allele origin: germline.
Comment: This sequence change replaces leucine, which is neutral and non-polar, with proline, which is neutral and non-polar, at codon 146 of the CD55 protein (p.Leu146Pro). The frequency data for this variant in the population databases is considered unreliable, as metrics indicate poor data quality at this position in the gnomAD database. This variant has not been reported in the literature in individuals affected with CD55-related conditions. Advanced modeling of protein sequence and biophysical properties (such as structural, functional, and spatial information, amino acid conservation, physicochemical variation, residue mobility, and thermodynamic stability) performed at Invitae indicates that this missense variant is expected to disrupt CD55 protein function with a positive predictive value of 80%. In summary, the available evidence is currently insufficient to determine the role of this variant in disease. Therefore, it has been classified as a Variant of Uncertain Significance.

NM_000574.5(CD55):c.437T>C (p.Leu146Pro)

Gene: CD55 (CD55 molecule (Cromer blood group); plus strand). Cytogenetic location: 1q32.2.
Variant type: single nucleotide variant.
Coding change: c.437T>C on transcript NM_000574.5 (MANE Select); coding-DNA position 437, T replaced by C.
Protein change: p.Leu146Pro; replaces leucine 146 with proline.
Molecular consequence: missense variant. On other transcripts: non-coding transcript variant (1).
Genome position (GRCh38, 1-based): chr1:207,324,709, T>C. VCF-style: chr1-207324709-T-C. GRCh37 (hg19) VCF-style: chr1-207498054-T-C.
Other names: c.437T>C, p.Leu146Pro (NM_001114752.3, NM_001300902.2, NM_001300903.2 and 1 more transcripts); short protein forms L146P.
Identifiers: ClinVar variation 2971751 (VCV002971751.3), dbSNP rs1222510317, ClinGen allele CA344516587.